The following is an entry in ClinVar:

ClinVar aggregate classification (germline): Uncertain significance. Review status: criteria provided, multiple submitters, no conflicts (2 of 4 stars). 2 submissions from 2 submitters: Uncertain significance (2). Last evaluated 2025-08-21.

Allele frequency attached by ClinVar (database versions not stated): gnomAD 0.00001; gnomAD exomes 0.00001 and 0.00003; ExAC 0.00004.
gnomAD v4.1: 13 of 1,603,806 alleles (0.00081%); highest among the groups gnomAD compares: South Asian, 0.0055%; no homozygotes.

Submissions (2):

Labcorp Genetics (formerly Invitae), Labcorp
Classification: Uncertain significance. Last evaluated: 2025-08-21. Review status: criteria provided, single submitter. Criteria: Invitae Variant Classification Sherloc (09022015). Collection method: clinical testing. Allele origin: germline.
Comment: This sequence change replaces arginine, which is basic and polar, with cysteine, which is neutral and slightly polar, at codon 939 of the LRP5 protein (p.Arg939Cys). This variant is present in population databases (rs746806229, gnomAD 0.01%). This variant has not been reported in the literature in individuals affected with LRP5-related conditions. ClinVar contains an entry for this variant (Variation ID: 1056153). Invitae Evidence Modeling of protein sequence and biophysical properties (such as structural, functional, and spatial information, amino acid conservation, physicochemical variation, residue mobility, and thermodynamic stability) indicates that this missense variant is not expected to disrupt LRP5 protein function with a negative predictive value of 95%. In summary, the available evidence is currently insufficient to determine the role of this variant in disease. Therefore, it has been classified as a Variant of Uncertain Significance.

Blueprint Genetics
Classification: Uncertain significance. Last evaluated: 2022-11-07. Review status: criteria provided, single submitter. Criteria: ACMG Guidelines, 2015. Collection method: clinical testing. Allele origin: germline.

NM_002335.4(LRP5):c.2815C>T (p.Arg939Cys)

Gene: LRP5 (LDL receptor related protein 5; plus strand). Cytogenetic location: 11q13.2.
Variant type: single nucleotide variant.
Coding change: c.2815C>T on transcript NM_002335.4 (MANE Select); coding-DNA position 2815, C replaced by T.
Protein change: p.Arg939Cys; replaces arginine 939 with cysteine.
Molecular consequence: missense variant.
Genome position (GRCh38, 1-based): chr11:68,414,000, C>T. VCF-style: chr11-68414000-C-T. GRCh37 (hg19) VCF-style: chr11-68181468-C-T.
Other names: c.1072C>T, p.Arg358Cys (NM_001291902.2); short protein forms R358C, R939C.
Identifiers: ClinVar variation 1056153 (VCV001056153.10), dbSNP rs746806229, ClinGen allele CA6149748.
Genomic context (GRCh38, chr11:68,414,000, plus strand): 5'-GCCATCCCCGGCGGCCACCGCTGCGGCTGCGCCTCACACTACACCCTGGACCCCAGCAGC[C>T]GCAACTGCAGCCGTAAGTGCCTCATGGTCCCCCGCACCTCACTCCCTCGTTAGATCAGGC-3'
Protein context (NP_002326.2, residues 929-949): ASHYTLDPSS[Arg939Cys]NCSPPTTFLL